The following is an entry in ClinVar:

NM_001267550.2(TTN):c.65087_65100del (p.Ile21696fs)

Genes: TTN (titin; minus strand), TTN-AS1 (TTN antisense RNA 1; plus strand). Cytogenetic location: 2q31.2.
Variant type: Deletion.
Coding change: c.65087_65100del on transcript NM_001267550.2 (MANE Select); coding-DNA positions 65087 to 65100, 14 bases deleted (TTGAACGCAAGGAA).
Protein change: p.Ile21696fs; shifts the reading frame from isoleucine 21696.
Molecular consequence: frameshift variant.
Genome position (GRCh38, 1-based): chr2:178,584,451-178,584,464, TTCCTTGCGTTCAA deleted on the plus strand (TTGAACGCAAGGAA on the coding strand, the reverse complement: TTN is on the minus strand); deleting any 14 consecutive bases within chr2:178,584,451-178,584,465 gives the same sequence; the c. name uses the placement nearest the transcript's 3' end. VCF-style (leftmost placement, unchanged base first): chr2-178584450-TTTCCTTGCGTTCAA-T. GRCh37 (hg19) VCF-style: chr2-179449177-TTTCCTTGCGTTCAA-T.
Other names: c.60164_60177del, p.Ile20055fs (NM_001256850.1); c.37892_37905del, p.Ile12631fs (NM_003319.4); c.57383_57396del, p.Ile19128fs (NM_133378.4); c.38267_38280del, p.Ile12756fs (NM_133432.3); c.38468_38481del, p.Ile12823fs (NM_133437.4); short protein forms I12631fs, I20055fs, I21696fs, I12756fs, I12823fs, I19128fs.
Identifiers: ClinVar variation 2946865 (VCV002946865.3), dbSNP rs2469140251, ClinGen allele CA2740096061.

ClinVar aggregate classification (germline): Likely pathogenic (1 of 4 stars; one submission).

Conditions:
Dilated cardiomyopathy 1G (CMD1G). Identifiers: Orphanet 154, MedGen C1858763, MONDO:0011400, OMIM 604145.
Autosomal recessive limb-girdle muscular dystrophy type 2J (LGMDR10). Also called: Limb-girdle muscular dystrophy, type 2J; MUSCULAR DYSTROPHY, LIMB-GIRDLE, AUTOSOMAL RECESSIVE 10. Identifiers: Orphanet 140922, MedGen C1837342, MONDO:0012127, OMIM 608807.

Submission:

Labcorp Genetics (formerly Invitae), Labcorp
Classification: Likely pathogenic for Dilated cardiomyopathy 1G; Autosomal recessive limb-girdle muscular dystrophy type 2J. Last evaluated: 2025-04-10. Review status: criteria provided, single submitter. Criteria: Invitae Variant Classification Sherloc (09022015). Collection method: clinical testing. Allele origin: germline.
Comment: This sequence change creates a premature translational stop signal (p.Ile21696Lysfs*11) in the TTN gene. While this is not anticipated to result in nonsense mediated decay, it is expected to create a truncated TTN protein. This variant is not present in population databases (gnomAD no frequency). This variant has not been reported in the literature in individuals affected with TTN-related conditions. ClinVar contains an entry for this variant (Variation ID: 2946865). This variant is located in the A band of TTN (PMID: 25589632). Truncating variants in this region are significantly overrepresented in patients affected with dilated cardiomyopathy (PMID: 25589632). Truncating variants in this region have also been reported in individuals affected with autosomal recessive centronuclear myopathy (PMID: 23975875). In summary, the currently available evidence indicates that the variant is pathogenic, but additional data are needed to prove that conclusively. Therefore, this variant has been classified as Likely Pathogenic.

Literature cited by the submitters: PubMed 25589632; PubMed 23975875.